The following is an entry in ClinVar:

ClinVar aggregate classification (germline): Pathogenic (1 of 4 stars; one submission).

Conditions:
Megalencephaly-polymicrogyria-polydactyly-hydrocephalus syndrome 2 (MPPH2). Also called: MEGALENCEPHALY-POLYMICROGYRIA-POLYDACTYLY-HYDROCEPHALUS SYNDROME 2, SOMATIC. Identifiers: Orphanet 83473, MedGen C4014738, MONDO:0014407, OMIM 615937.

Submission:

3billion
Classification: Pathogenic for Megalencephaly-polymicrogyria-polydactyly-hydrocephalus syndrome 2. Last evaluated: 2021-10-02. Review status: criteria provided, single submitter. Criteria: ACMG Guidelines, 2015. Collection method: clinical testing. Allele origin: germline. Affected: yes. Observed: 1 heterozygote.
Comment: The missense variant is located in a mutational hot spot and/or well-established functional domain in which established pathogenic variants have been reported (PM1). It is not observed in the gnomAD v2.1.1 dataset (PM2). The variant was observed as assumed (i.e. paternity and maternity not confirmed) de novoo (3billion dataset, PM6). Missense changes are a common disease-causing mechanism (PP2). Patient's phenotype is considered compatible with Megalencephaly-polymicrogyria-polydactyly-hydrocephalus syndrome 2 (3billion dataset, PP4). Therefore, this variant is classified as pathogenic according to the recommendation of ACMG/AMP guideline.

NM_005465.7(AKT3):c.538A>G (p.Lys180Glu)

Gene: AKT3 (AKT serine/threonine kinase 3; minus strand). Cytogenetic location: 1q44.
Variant type: single nucleotide variant.
Coding change: c.538A>G on transcript NM_005465.7 (MANE Select); coding-DNA position 538, A replaced by G.
Protein change: p.Lys180Glu; replaces lysine 180 with glutamic acid.
Molecular consequence: missense variant.
Genome position (GRCh38, 1-based): chr1:243,637,634, T>C on the plus strand (A>G on the coding strand, the complement: AKT3 is on the minus strand). VCF-style: chr1-243637634-T-C. GRCh37 (hg19) VCF-style: chr1-243800936-T-C.
Other names: c.538A>G, p.Lys180Glu (NM_001206729.2, NM_001370074.1, NM_181690.2); short protein forms K180E.
Identifiers: ClinVar variation 1320062 (VCV001320062.1), dbSNP rs2147812145, ClinGen allele CA345669693.